The following is an entry in ClinVar:

ClinVar aggregate classification (germline): Likely benign (0 of 4 stars; one submission).

Conditions:
PKHD1L1-related disorder. Also called: PKHD1L1-related condition.

gnomAD v4.1: 1,357 of 1,613,958 alleles (0.084%); highest among the groups gnomAD compares: Non-Finnish European, 0.1%; 1 homozygote.

Submission:

PreventionGenetics, part of Exact Sciences
Classification: Likely benign for PKHD1L1-related condition. Last evaluated: 2024-06-21. Review status: no assertion criteria provided. Collection method: clinical testing. Allele origin: germline.
Comment: This variant is classified as likely benign based on ACMG/AMP sequence variant interpretation guidelines (Richards et al. 2015 PMID: 25741868, with internal and published modifications).

NM_177531.6(PKHD1L1):c.4891G>A (p.Glu1631Lys)

Gene: PKHD1L1 (PKHD1 like 1; plus strand). Cytogenetic location: 8q23.1.
Variant type: single nucleotide variant.
Coding change: c.4891G>A on transcript NM_177531.6 (MANE Select); coding-DNA position 4891, G replaced by A.
Protein change: p.Glu1631Lys; replaces glutamic acid 1631 with lysine.
Molecular consequence: missense variant.
Genome position (GRCh38, 1-based): chr8:109,444,760, G>A. VCF-style: chr8-109444760-G-A. GRCh37 (hg19) VCF-style: chr8-110456989-G-A.
Other names: short protein forms E1631K.
Identifiers: ClinVar variation 3346597 (VCV003346597.1).